The following is an entry in ClinVar:

ClinVar aggregate classification (germline): Likely pathogenic (1 of 4 stars; one submission).

Conditions:
Intellectual developmental disorder, autosomal dominant 56. Also called: MENTAL RETARDATION, AUTOSOMAL DOMINANT 56; Intellectual disability, autosomal dominant 56. Identifiers: MedGen C4693389, MONDO:0030922, OMIM 617854.

Submission:

Laboratorio de Genetica e Diagnostico Molecular, Hospital Israelita Albert Einstein
Classification: Likely pathogenic for Intellectual developmental disorder, autosomal dominant 56. Last evaluated: 2026-01-26. Review status: criteria provided, single submitter. Criteria: ACMG Guidelines, 2015. Collection method: clinical testing. Allele origin: germline. Affected: yes.
Comment: ACMG classification criteria: PVS1 very strong, PM2 supporting

NM_004859.4(CLTC):c.3871C>T (p.Gln1291Ter)

Gene: CLTC (clathrin heavy chain; plus strand). Cytogenetic location: 17q23.1.
Variant type: single nucleotide variant.
Coding change: c.3871C>T on transcript NM_004859.4 (MANE Select); coding-DNA position 3871, C replaced by T.
Protein change: p.Gln1291Ter; replaces glutamine 1291 with a stop codon.
Molecular consequence: nonsense.
Genome position (GRCh38, 1-based): chr17:59,683,012, C>T. VCF-style: chr17-59683012-C-T. GRCh37 (hg19) VCF-style: chr17-57760373-C-T.
Other names: c.3883C>T, p.Gln1295Ter (NM_001288653.2); short protein forms Q1291*, Q1295*.
Identifiers: ClinVar variation 4847000 (VCV004847000.1).